The following is an entry in ClinVar:

NM_021072.4(HCN1):c.2455G>A (p.Val819Met)

Gene: HCN1 (hyperpolarization activated cyclic nucleotide gated potassium channel 1; minus strand). Cytogenetic location: 5p12.
Variant type: single nucleotide variant.
Coding change: c.2455G>A on transcript NM_021072.4 (MANE Select); coding-DNA position 2455, G replaced by A.
Protein change: p.Val819Met; replaces valine 819 with methionine.
Molecular consequence: missense variant.
Genome position (GRCh38, 1-based): chr5:45,262,139, C>T on the plus strand (G>A on the coding strand, the complement: HCN1 is on the minus strand). VCF-style: chr5-45262139-C-T. GRCh37 (hg19) VCF-style: chr5-45262241-C-T.
Other names: short protein forms V819M.
Identifiers: ClinVar variation 2632451 (VCV002632451.4), dbSNP rs1197215604, ClinGen allele CA359703308.
Genomic context (GRCh38, chr5:45,262,139, plus strand): 5'-CGCGCTGCGGGACAGTGCTCCTGCCCCCTGCCTGAAGGCCCGTTCCGGGGACCGCCGTCA[C>T]GGGTTGAGGGATGGAGGCCAGGGACTCGCCCACAGTGGGATGAGGTCTGGAAATCAGAGT-3'
Protein context (NP_066550.2, residues 809-829): GESLASIPQP[Val819Met]TAVPGTGLQA

ClinVar aggregate classification (germline): Uncertain significance. Review status: criteria provided, multiple submitters, no conflicts (2 of 4 stars). 2 submissions from 2 submitters: Uncertain significance (2). Last evaluated 2023-11-24.

Conditions:
Early-infantile DEE. Also called: Early infantile epileptic encephalopathy with suppression bursts; Early infantile epileptic encephalopathy; Ohtahara syndrome. Identifiers: Orphanet 1934, MedGen C0393706, MONDO:0800491.
HCN1-related disorder. Also called: HCN1-related condition; HCN1-related disorders.

gnomAD v4.1: 1 of 1,613,278 alleles (0.000062%); highest among the groups gnomAD compares: Non-Finnish European, 0.000085%; no homozygotes.

Submissions (2):

Labcorp Genetics (formerly Invitae), Labcorp
Classification: Uncertain significance for Early-infantile DEE. Last evaluated: 2023-11-24. Review status: criteria provided, single submitter. Criteria: Invitae Variant Classification Sherloc (09022015). Collection method: clinical testing. Allele origin: germline.
Comment: This sequence change replaces valine, which is neutral and non-polar, with methionine, which is neutral and non-polar, at codon 819 of the HCN1 protein (p.Val819Met). This variant is present in population databases (no rsID available, gnomAD 0.007%). This variant has not been reported in the literature in individuals affected with HCN1-related conditions. Advanced modeling of protein sequence and biophysical properties (such as structural, functional, and spatial information, amino acid conservation, physicochemical variation, residue mobility, and thermodynamic stability) performed at Invitae indicates that this missense variant is not expected to disrupt HCN1 protein function with a negative predictive value of 95%. In summary, the available evidence is currently insufficient to determine the role of this variant in disease. Therefore, it has been classified as a Variant of Uncertain Significance.

PreventionGenetics, part of Exact Sciences
Classification: Uncertain significance for HCN1-related condition. Last evaluated: 2023-06-14. Review status: criteria provided, single submitter. Criteria: ACMG Guidelines, 2015. Collection method: clinical testing. Allele origin: germline.
Comment: The HCN1 c.2455G>A variant is predicted to result in the amino acid substitution p.Val819Met. To our knowledge, this variant has not been reported in the literature. This variant is reported in 0.0065% of alleles in individuals of European (Non-Finnish) descent in gnomAD. At this time, the clinical significance of this variant is uncertain due to the absence of conclusive functional and genetic evidence.